The following is an entry in ClinVar:

NM_030912.3(TRIM8):c.1012G>T (p.Ala338Ser)

Gene: TRIM8 (tripartite motif containing 8; plus strand). Cytogenetic location: 10q24.32.
Variant type: single nucleotide variant.
Coding change: c.1012G>T on transcript NM_030912.3 (MANE Select); coding-DNA position 1012, G replaced by T.
Protein change: p.Ala338Ser; replaces alanine 338 with serine.
Molecular consequence: missense variant. On other transcripts: non-coding transcript variant (1).
Genome position (GRCh38, 1-based): chr10:102,656,349, G>T. VCF-style: chr10-102656349-G-T. GRCh37 (hg19) VCF-style: chr10-104416106-G-T.
Other names: c.916G>T, p.Ala306Ser (NM_001345950.1); short protein forms A306S, A338S.
Identifiers: ClinVar variation 2806427 (VCV002806427.3), dbSNP rs377140124, ClinGen allele CA377930832.

ClinVar aggregate classification (germline): Uncertain significance (1 of 4 stars; one submission).

Submission:

Labcorp Genetics (formerly Invitae), Labcorp
Classification: Uncertain significance. Last evaluated: 2023-12-28. Review status: criteria provided, single submitter. Criteria: Invitae Variant Classification Sherloc (09022015). Collection method: clinical testing. Allele origin: germline.
Comment: This sequence change replaces alanine, which is neutral and non-polar, with serine, which is neutral and polar, at codon 338 of the TRIM8 protein (p.Ala338Ser). This variant is not present in population databases (gnomAD no frequency). This variant has not been reported in the literature in individuals affected with TRIM8-related conditions. Algorithms developed to predict the effect of missense changes on protein structure and function output the following: SIFT: "Not Available"; PolyPhen-2: "Benign"; Align-GVGD: "Not Available". The serine amino acid residue is found in multiple mammalian species, which suggests that this missense change does not adversely affect protein function. In summary, the available evidence is currently insufficient to determine the role of this variant in disease. Therefore, it has been classified as a Variant of Uncertain Significance.